The following is an entry in ClinVar:

ClinVar aggregate classification (germline): Likely benign (1 of 4 stars; one submission).

gnomAD v4.1: 1 of 994,908 alleles (0.0001%); highest among the groups gnomAD compares: Non-Finnish European, 0.00015%; no homozygotes.

Submission:

CeGaT Center for Human Genetics Tuebingen
Classification: Likely benign. Last evaluated: 2026-06-01. Review status: criteria provided, single submitter. Criteria: CeGaT Center For Human Genetics Tuebingen Variant Classification Criteria Version 2. Collection method: clinical testing. Allele origin: germline. Affected: yes. Observed: 3 variant alleles.
Comment: HP: BP4, BP7

NM_005143.5(HP):c.189T>C (p.Asp63=)

Gene: HP (haptoglobin; plus strand). Cytogenetic location: 16q22.2.
Variant type: single nucleotide variant.
Coding change: c.189T>C on transcript NM_005143.5 (MANE Select); coding-DNA position 189, T replaced by C.
Protein change: p.Asp63=; no amino-acid change (aspartic acid 63 retained).
Molecular consequence: synonymous variant.
Genome position (GRCh38, 1-based): chr16:72,056,630, T>C. VCF-style: chr16-72056630-T-C. GRCh37 (hg19) VCF-style: chr16-72090529-T-C.
Other names: c.189T>C, p.Asp63= (NM_001126102.3, NM_001318138.2).
Identifiers: ClinVar variation 4534718 (VCV004534718.6).